The following is an entry in ClinVar:

ClinVar aggregate classification (germline): Uncertain significance (1 of 4 stars; one submission).

Conditions:
Autoimmune lymphoproliferative syndrome type 2B. Also called: AUTOIMMUNE LYMPHOPROLIFERATIVE SYNDROME, TYPE IIB. Identifiers: Orphanet 275517, MedGen C1846545, MONDO:0011804, OMIM 607271.

Allele frequency attached by ClinVar (database versions not stated): gnomAD exomes below 0.00001 and 0.00001.
gnomAD v4.1: 11 of 1,613,968 alleles (0.00068%); highest among the groups gnomAD compares: Non-Finnish European, 0.00093%; no homozygotes.

Submission:

Labcorp Genetics (formerly Invitae), Labcorp
Classification: Uncertain significance for Autoimmune lymphoproliferative syndrome type 2B. Last evaluated: 2022-08-31. Review status: criteria provided, single submitter. Criteria: Invitae Variant Classification Sherloc (09022015). Collection method: clinical testing. Allele origin: germline.
Comment: In summary, the available evidence is currently insufficient to determine the role of this variant in disease. Therefore, it has been classified as a Variant of Uncertain Significance. Algorithms developed to predict the effect of sequence changes on RNA splicing suggest that this variant may create or strengthen a splice site. ClinVar contains an entry for this variant (Variation ID: 1365525). This variant has not been reported in the literature in individuals affected with CASP8-related conditions. This variant is not present in population databases (gnomAD no frequency). This sequence change falls in intron 5 of the CASP8 gene. It does not directly change the encoded amino acid sequence of the CASP8 protein.

NM_001372051.1(CASP8):c.412-16T>G

Gene: CASP8 (caspase 8; plus strand). Cytogenetic location: 2q33.1.
Variant type: single nucleotide variant.
Coding change: c.412-16T>G on transcript NM_001372051.1 (MANE Select); 16 bases into the intron before coding-DNA position 412, T replaced by G.
Molecular consequence: intron variant.
Genome position (GRCh38, 1-based): chr2:201,272,622, T>G. VCF-style: chr2-201272622-T-G. GRCh37 (hg19) VCF-style: chr2-202137345-T-G.
Other names: c.508-16T>G (NM_001228.5); c.412-16T>G (NM_001400651.1, NM_001400663.1, NM_001400657.1 and 20 more transcripts); c.-121-16T>G (NM_001400677.1, NM_001400750.1, NM_001400751.1 and 6 more transcripts); c.103-16T>G (NM_001400669.1); c.-200-16T>G (NM_001400680.1); c.589-16T>G (NM_001080125.2, NM_001400642.1, NM_001400665.1); c.-302-16T>G (NM_001400674.1).
Identifiers: ClinVar variation 1365525 (VCV001365525.8), dbSNP rs1559357686, ClinGen allele CA1320988980.